The following is an entry in ClinVar:

NM_007254.4(PNKP):c.539G>C (p.Arg180Pro)

Gene: PNKP (polynucleotide kinase 3'-phosphatase; minus strand). Cytogenetic location: 19q13.33.
Variant type: single nucleotide variant.
Coding change: c.539G>C on transcript NM_007254.4 (MANE Select); coding-DNA position 539, G replaced by C.
Protein change: p.Arg180Pro; replaces arginine 180 with proline.
Molecular consequence: missense variant.
Genome position (GRCh38, 1-based): chr19:49,864,363, C>G on the plus strand (G>C on the coding strand, the complement: PNKP is on the minus strand). VCF-style: chr19-49864363-C-G. GRCh37 (hg19) VCF-style: chr19-50367620-C-G.
Other names: short protein forms R180P.
Identifiers: ClinVar variation 1449925 (VCV001449925.11), dbSNP rs779492301, ClinGen allele CA406887248.

ClinVar aggregate classification (germline): Uncertain significance (1 of 4 stars; one submission).

Conditions:
Developmental and epileptic encephalopathy, 12 (DEE12). Identifiers: MedGen C3150988, MONDO:0013389, OMIM 613722.

Submission:

Labcorp Genetics (formerly Invitae), Labcorp
Classification: Uncertain significance for Developmental and epileptic encephalopathy, 12. Last evaluated: 2022-03-19. Review status: criteria provided, single submitter. Criteria: Invitae Variant Classification Sherloc (09022015). Collection method: clinical testing. Allele origin: germline.
Comment: In summary, the available evidence is currently insufficient to determine the role of this variant in disease. Therefore, it has been classified as a Variant of Uncertain Significance. This sequence change replaces arginine, which is basic and polar, with proline, which is neutral and non-polar, at codon 180 of the PNKP protein (p.Arg180Pro). This variant is not present in population databases (gnomAD no frequency). This variant has not been reported in the literature in individuals affected with PNKP-related conditions. Algorithms developed to predict the effect of missense changes on protein structure and function (SIFT, PolyPhen-2, Align-GVGD) all suggest that this variant is likely to be disruptive.